The following is an entry in ClinVar:

ClinVar aggregate classification (germline): Likely benign. Review status: criteria provided, multiple submitters, no conflicts (2 of 4 stars). 6 submissions from 6 submitters: Likely benign (6). Last evaluated 2026-01-27.

Conditions:
Cardiovascular phenotype. Identifiers: MedGen CN230736.
Dilated cardiomyopathy 1G (CMD1G). Identifiers: Orphanet 154, MedGen C1858763, MONDO:0011400, OMIM 604145.
Autosomal recessive limb-girdle muscular dystrophy type 2J (LGMDR10). Also called: Limb-girdle muscular dystrophy, type 2J; MUSCULAR DYSTROPHY, LIMB-GIRDLE, AUTOSOMAL RECESSIVE 10. Identifiers: Orphanet 140922, MedGen C1837342, MONDO:0012127, OMIM 608807.
TTN-related disorder. Also called: TTN-related disorders; TTN-related condition; TTN-related disease.

Allele frequency attached by ClinVar (database versions not stated): TOPMed 0.00003; ESP Exome Variant Server 0.00017.
gnomAD v4.1: 39 of 1,612,670 alleles (0.0024%); highest among the groups gnomAD compares: Middle Eastern, 0.033%; no homozygotes.

Submissions (6):

PreventionGenetics, part of Exact Sciences
Classification: Likely benign for TTN-related condition. Last evaluated: 2026-01-27. Review status: criteria provided, single submitter. Criteria: ACMG Guidelines, 2015. Collection method: clinical testing. Allele origin: germline.
Comment: This variant is classified as likely benign based on ACMG/AMP sequence variant interpretation guidelines (Richards et al. 2015 PMID: 25741868, with internal and published modifications).

Labcorp Genetics (formerly Invitae), Labcorp
Classification: Likely benign for Dilated cardiomyopathy 1G; Autosomal recessive limb-girdle muscular dystrophy type 2J. Last evaluated: 2025-08-17. Review status: criteria provided, single submitter. Criteria: Invitae Variant Classification Sherloc (09022015). Collection method: clinical testing. Allele origin: germline.

CeGaT Center for Human Genetics Tuebingen
Classification: Likely benign. Last evaluated: 2024-09-01. Review status: criteria provided, single submitter. Criteria: CeGaT Center For Human Genetics Tuebingen Variant Classification Criteria Version 2. Collection method: clinical testing. Allele origin: germline. Affected: yes. Observed: 3 variant alleles.
Comment: TTN: BP4, BP7

Blueprint Genetics
Classification: Likely benign. Last evaluated: 2024-04-11. Review status: criteria provided, single submitter. Criteria: ACMG Guidelines, 2015. Collection method: clinical testing. Allele origin: germline.

Ambry Genetics
Classification: Likely benign for Cardiovascular phenotype. Last evaluated: 2022-05-30. Review status: criteria provided, single submitter. Criteria: Ambry Variant Classification Scheme 2023. Collection method: clinical testing. Allele origin: germline.

Breakthrough Genomics
Classification: Likely benign. Review status: criteria provided, single submitter. Criteria: ACMG Guidelines, 2015. Collection method: not provided. Allele origin: germline. Inheritance: Autosomal recessive inheritance. Affected: yes.

NM_001267550.2(TTN):c.76590A>G (p.Leu25530=)

Genes: TTN (titin; minus strand), TTN-AS1 (TTN antisense RNA 1; plus strand). Cytogenetic location: 2q31.2.
Variant type: single nucleotide variant.
Coding change: c.76590A>G on transcript NM_001267550.2 (MANE Select); coding-DNA position 76590, A replaced by G.
Protein change: p.Leu25530=; no amino-acid change (leucine 25530 retained).
Molecular consequence: synonymous variant.
Genome position (GRCh38, 1-based): chr2:178,569,542, T>C on the plus strand (A>G on the coding strand, the complement: TTN is on the minus strand). VCF-style: chr2-178569542-T-C. GRCh37 (hg19) VCF-style: chr2-179434269-T-C.
Other names: c.71667A>G, p.Leu23889= (NM_001256850.1); c.49395A>G, p.Leu16465= (NM_003319.4); c.68886A>G, p.Leu22962= (NM_133378.4); c.49770A>G, p.Leu16590= (NM_133432.3); c.49971A>G, p.Leu16657= (NM_133437.4).
Identifiers: ClinVar variation 467489 (VCV000467489.49), dbSNP rs184034300, ClinGen allele CA1989890.